The following is an entry in ClinVar:

ClinVar aggregate classification (germline): Uncertain significance (1 of 4 stars; one submission).

Allele frequency attached by ClinVar (database versions not stated): gnomAD exomes 0.00001.
gnomAD v4.1: 10 of 1,614,260 alleles (0.00062%); highest among the groups gnomAD compares: Non-Finnish European, 0.00085%; no homozygotes.

Submission:

Labcorp Genetics (formerly Invitae), Labcorp
Classification: Uncertain significance. Last evaluated: 2022-10-05. Review status: criteria provided, single submitter. Criteria: Invitae Variant Classification Sherloc (09022015). Collection method: clinical testing. Allele origin: germline.
Comment: In summary, the available evidence is currently insufficient to determine the role of this variant in disease. Therefore, it has been classified as a Variant of Uncertain Significance. Advanced modeling of protein sequence and biophysical properties (such as structural, functional, and spatial information, amino acid conservation, physicochemical variation, residue mobility, and thermodynamic stability) has been performed at Invitae for this missense variant, however the output from this modeling did not meet the statistical confidence thresholds required to predict the impact of this variant on TWNK protein function. This variant has not been reported in the literature in individuals affected with TWNK-related conditions. This variant is present in population databases (no rsID available, gnomAD 0.0009%). This sequence change replaces proline, which is neutral and non-polar, with serine, which is neutral and polar, at codon 70 of the TWNK protein (p.Pro70Ser).

NM_021830.5(TWNK):c.208C>T (p.Pro70Ser)

Gene: TWNK (twinkle mtDNA helicase; plus strand). Cytogenetic location: 10q24.31.
Variant type: single nucleotide variant.
Coding change: c.208C>T on transcript NM_021830.5 (MANE Select); coding-DNA position 208, C replaced by T.
Protein change: p.Pro70Ser; replaces proline 70 with serine.
Molecular consequence: missense variant. On other transcripts: non-coding transcript variant (4), intron variant (3).
Genome position (GRCh38, 1-based): chr10:100,988,418, C>T. VCF-style: chr10-100988418-C-T. GRCh37 (hg19) VCF-style: chr10-102748175-C-T.
Other names: c.208C>T, p.Pro70Ser (NM_001163812.2); c.-120+805C>T (NM_001163814.2, NM_001163813.2); c.-58+805C>T (NM_001368275.1); short protein forms P70S.
Identifiers: ClinVar variation 2034275 (VCV002034275.4), dbSNP rs1244379901, ClinGen allele CA378206322.